The following is an entry in ClinVar:

NM_001122681.2(SH3BP2):c.517+5G>A

Gene: SH3BP2 (SH3 domain binding protein 2; plus strand). Cytogenetic location: 4p16.3.
Variant type: single nucleotide variant.
Coding change: c.517+5G>A on transcript NM_001122681.2 (MANE Select); 5 bases into the intron after coding-DNA position 517, G replaced by A.
Molecular consequence: intron variant.
Genome position (GRCh38, 1-based): chr4:2,827,323, G>A. VCF-style: chr4-2827323-G-A. GRCh37 (hg19) VCF-style: chr4-2829050-G-A.
Other names: c.601+5G>A (LRG_1334t2, NM_001145855.2); c.517+5G>A (LRG_1334t1, NM_003023.4); c.688+5G>A (NM_001145856.2).
Identifiers: ClinVar variation 348577 (VCV000348577.13), dbSNP rs367984149, ClinGen allele CA2819199.

ClinVar aggregate classification (germline): Conflicting classifications of pathogenicity. Review status: criteria provided, conflicting classifications (1 of 4 stars). 4 submissions from 4 submitters: Uncertain significance (2); Likely benign (2). Last evaluated 2026-05-06.

Conditions:
SH3BP2-related disorder. Also called: SH3BP2-related condition.
Fibrous dysplasia of jaw (CRBM). Also called: Cherubism. Identifiers: Orphanet 184, MedGen C0008029, MONDO:0007315, OMIM 118400.

Allele frequency attached by ClinVar (database versions not stated): gnomAD exomes 0.00005 and 0.00006; gnomAD 0.00003; ExAC 0.00009; ESP Exome Variant Server 0.00015; TOPMed 0.00004.
gnomAD v4.1: 74 of 1,613,244 alleles (0.0046%); highest among the groups gnomAD compares: Non-Finnish European, 0.0062%; no homozygotes.

Submissions (4):

Women's Health and Genetics/Laboratory Corporation of America, LabCorp
Classification: Likely benign. Last evaluated: 2026-05-06. Review status: criteria provided, single submitter. Criteria: LabCorp Variant Classification Summary - May 2015. Collection method: clinical testing. Allele origin: germline.
Comment: Variant summary: SH3BP2 c.517+5G>A alters a non-conserved nucleotide located close to a canonical splice site and therefore could affect mRNA splicing, leading to a significantly altered protein sequence. Several computational tools predict a significant impact on normal splicing: Two predict the variant weakens a 5' donor site. One predict the variant abolishes a 5' splicing donor site. However, these predictions have yet to be confirmed by functional studies. The variant allele was found at a frequency of 5.6e-05 in 251454 control chromosomes. The observed variant frequency exceeds the estimated maximal expected allele frequency for disease-causing variants in SH3BP2, providing supporting evidence for a benign role. To our knowledge, no occurrence of c.517+5G>A in individuals affected with SH3BP2-related conditions and no experimental evidence demonstrating its impact on protein function have been reported. ClinVar contains an entry for this variant (Variation ID: 348577). Based on the evidence outlined above, the variant was classified as likely benign.

Labcorp Genetics (formerly Invitae), Labcorp
Classification: Uncertain significance for Fibrous dysplasia of jaw. Last evaluated: 2024-10-21. Review status: criteria provided, single submitter. Criteria: Invitae Variant Classification Sherloc (09022015). Collection method: clinical testing. Allele origin: germline.
Comment: This sequence change falls in intron 6 of the SH3BP2 gene. It does not directly change the encoded amino acid sequence of the SH3BP2 protein. It affects a nucleotide within the consensus splice site. This variant is present in population databases (rs367984149, gnomAD 0.01%). This variant has not been reported in the literature in individuals affected with SH3BP2-related conditions. ClinVar contains an entry for this variant (Variation ID: 348577). Variants that disrupt the consensus splice site are a relatively common cause of aberrant splicing (PMID: 17576681, 9536098). Algorithms developed to predict the effect of sequence changes on RNA splicing suggest that this variant is not likely to affect RNA splicing. In summary, the available evidence is currently insufficient to determine the role of this variant in disease. Therefore, it has been classified as a Variant of Uncertain Significance.

PreventionGenetics, part of Exact Sciences
Classification: Uncertain significance for SH3BP2-related condition. Last evaluated: 2023-03-20. Review status: criteria provided, single submitter. Criteria: ACMG Guidelines, 2015. Collection method: clinical testing. Allele origin: germline.
Comment: The SH3BP2 c.517+5G>A variant is predicted to interfere with splicing. This variant is predicted to alter splicing based on available splicing prediction programs (Alamut Visual Plus v1.6.1), however, such computer prediction programs are imperfect. To our knowledge, this variant has not been reported in the literature. This variant is reported in 0.012% of alleles in individuals of European (Non-Finnish) descent in gnomAD, which may be too common to be an undocumented cause of disease. Although we suspect that this variant may be benign, at this time, the clinical significance of this variant is uncertain due to the absence of conclusive functional and genetic evidence.

Illumina Laboratory Services, Illumina
Classification: Likely benign for Fibrous dysplasia of jaw. Last evaluated: 2018-01-13. Review status: criteria provided, single submitter. Criteria: ICSL Variant Classification Criteria 13 December 2019. Collection method: clinical testing. Allele origin: germline.
Comment: This variant was observed in the ICSL laboratory as part of a predisposition screen in an ostensibly healthy population. It had not been previously curated by ICSL or reported in the Human Gene Mutation Database (HGMD: prior to June 1st, 2018), and was therefore a candidate for classification through an automated scoring system. Utilizing variant allele frequency, disease prevalence and penetrance estimates, and inheritance mode, an automated score was calculated to assess if this variant is too frequent to cause the disease. Based on the score and internal cut-off values, a variant classified as likely benign is not then subjected to further curation. The score for this variant resulted in a classification of likely benign for this disease.

Literature cited by the submitters: PubMed 17576681 (cited by Labcorp Genetics (formerly Invitae), Labcorp); PubMed 9536098 (cited by Labcorp Genetics (formerly Invitae), Labcorp).